The following is an entry in ClinVar:

NM_014271.4(IL1RAPL1):c.1191G>A (p.Glu397=)

Gene: IL1RAPL1 (interleukin 1 receptor accessory protein like 1; plus strand). Cytogenetic location: Xp21.2.
Variant type: single nucleotide variant.
Coding change: c.1191G>A on transcript NM_014271.4 (MANE Select); coding-DNA position 1191, G replaced by A.
Protein change: p.Glu397=; no amino-acid change (glutamic acid 397 retained).
Molecular consequence: synonymous variant.
Genome position (GRCh38, 1-based): chrX:29,941,784, G>A. VCF-style: chrX-29941784-G-A. GRCh37 (hg19) VCF-style: chrX-29959901-G-A.
Identifiers: ClinVar variation 368195 (VCV000368195.20), dbSNP rs7049358, ClinGen allele CA10375540.

ClinVar aggregate classification (germline): Benign/Likely benign. Review status: criteria provided, multiple submitters, no conflicts (2 of 4 stars). 5 submissions from 5 submitters: Benign (3); Likely benign (2). Last evaluated 2026-01-19.

Conditions:
Intellectual developmental disorder, X-linked 21. Also called: MENTAL RETARDATION, X-LINKED 34; Mental retardation, X-linked 21/34; Intellectual disability, X-linked 21. Identifiers: Orphanet 777, MedGen C5551510, MONDO:0010256, OMIM 300143.

Allele frequency attached by ClinVar (database versions not stated): gnomAD exomes 0.00048 and 0.00153; TOPMed 0.00649; 1000 Genomes Project 30x 0.00333; gnomAD 0.00570 and 0.00631; ESP Exome Variant Server 0.00824; ExAC 0.00207; 1000 Genomes Project 0.00291.
gnomAD v4.1: 1,192 of 1,204,889 alleles (0.099%); highest among the groups gnomAD compares: African/African-American, 1.9%; 10 homozygotes.

Submissions (5):

Labcorp Genetics (formerly Invitae), Labcorp
Classification: Benign. Last evaluated: 2026-01-19. Review status: criteria provided, single submitter. Criteria: Invitae Variant Classification Sherloc (09022015). Collection method: clinical testing. Allele origin: germline.

GeneDx
Classification: Likely benign. Last evaluated: 2020-12-17. Review status: criteria provided, single submitter. Criteria: GeneDx Variant Classification Process June 2021. Collection method: clinical testing. Allele origin: germline. Affected: yes.

Genetic Services Laboratory, University of Chicago
Classification: Benign. Last evaluated: 2018-12-03. Review status: criteria provided, single submitter. Criteria: ACMG Guidelines, 2015. Collection method: clinical testing. Allele origin: germline. Affected: no.

Illumina Laboratory Services, Illumina
Classification: Benign for Intellectual developmental disorder, X-linked 21. Last evaluated: 2018-01-12. Review status: criteria provided, single submitter. Criteria: ICSL Variant Classification Criteria 13 December 2019. Collection method: clinical testing. Allele origin: germline.
Comment: This variant was observed in the ICSL laboratory as part of a predisposition screen in an ostensibly healthy population. It had not been previously curated by ICSL or reported in the Human Gene Mutation Database (HGMD: prior to June 1st, 2018), and was therefore a candidate for classification through an automated scoring system. Utilizing variant allele frequency, disease prevalence and penetrance estimates, and inheritance mode, an automated score was calculated to assess if this variant is too frequent to cause the disease. Based on the score and internal cut-off values, a variant classified as benign is not then subjected to further curation. The score for this variant resulted in a classification of benign for this disease.

Breakthrough Genomics
Classification: Likely benign. Review status: criteria provided, single submitter. Criteria: ACMG Guidelines, 2015. Collection method: not provided. Allele origin: germline. Inheritance: X-linked inheritance. Affected: yes.